The following is an entry in ClinVar:

ClinVar aggregate classification (germline): Uncertain significance. Review status: criteria provided, multiple submitters, no conflicts (2 of 4 stars). 3 submissions from 3 submitters: Uncertain significance (3). Last evaluated 2024-10-30.

Conditions:
Hypertrophic cardiomyopathy 17. Identifiers: MedGen C3151264, MONDO:0013474, OMIM 613873.
Cardiomyopathy, dilated, 2E. Identifiers: MedGen C5561970, MONDO:0030366, OMIM 619492.
Hypertrophic cardiomyopathy. Also called: HYPERTROPHIC MYOCARDIOPATHY. Identifiers: Orphanet 217569, MedGen C0007194, MeSH D002312, MONDO:0005045, HP:0001639.
Cardiovascular phenotype. Identifiers: MedGen CN230736.

Allele frequency attached by ClinVar (database versions not stated): TOPMed below 0.00001; gnomAD 0.00001.
gnomAD v4.1: 3 of 1,612,926 alleles (0.00019%); highest among the groups gnomAD compares: Non-Finnish European, 0.00025%; no homozygotes.

Submissions (3):

Ambry Genetics
Classification: Uncertain significance for Cardiovascular phenotype. Last evaluated: 2024-10-30. Review status: criteria provided, single submitter. Criteria: Ambry Variant Classification Scheme 2023. Collection method: clinical testing. Allele origin: germline.
Comment: The p.A661E variant (also known as c.1982C>A), located in coding exon 4 of the JPH2 gene, results from a C to A substitution at nucleotide position 1982. The alanine at codon 661 is replaced by glutamic acid, an amino acid with dissimilar properties. This amino acid position is conserved. In addition, this alteration is predicted to be tolerated by in silico analysis. Based on the available evidence, the clinical significance of this variant remains unclear.

Fulgent Genetics
Classification: Uncertain significance for Hypertrophic cardiomyopathy 17; Cardiomyopathy, dilated, 2E. Last evaluated: 2021-10-04. Review status: criteria provided, single submitter. Criteria: ACMG Guidelines, 2015. Collection method: clinical testing. Allele origin: unknown.

Labcorp Genetics (formerly Invitae), Labcorp
Classification: Uncertain significance for Hypertrophic cardiomyopathy. Last evaluated: 2020-02-28. Review status: criteria provided, single submitter. Criteria: Invitae Variant Classification Sherloc (09022015). Collection method: clinical testing. Allele origin: germline.
Comment: In summary, the available evidence is currently insufficient to determine the role of this variant in disease. Therefore, it has been classified as a Variant of Uncertain Significance. Algorithms developed to predict the effect of missense changes on protein structure and function output the following: SIFT: "Tolerated"; PolyPhen-2: "Benign"; Align-GVGD: "Class C0". The glutamic acid amino acid residue is found in multiple mammalian species, suggesting that this missense change does not adversely affect protein function. These predictions have not been confirmed by published functional studies and their clinical significance is uncertain. This variant has not been reported in the literature in individuals with JPH2-related conditions. This variant is not present in population databases (ExAC no frequency). This sequence change replaces alanine with glutamic acid at codon 661 of the JPH2 protein (p.Ala661Glu). The alanine residue is weakly conserved and there is a moderate physicochemical difference between alanine and glutamic acid.

NM_020433.5(JPH2):c.1982C>A (p.Ala661Glu)

Gene: JPH2 (junctophilin 2; minus strand). Cytogenetic location: 20q13.12.
Variant type: single nucleotide variant.
Coding change: c.1982C>A on transcript NM_020433.5 (MANE Select); coding-DNA position 1982, C replaced by A.
Protein change: p.Ala661Glu; replaces alanine 661 with glutamic acid.
Molecular consequence: missense variant.
Genome position (GRCh38, 1-based): chr20:44,115,693, G>T on the plus strand (C>A on the coding strand, the complement: JPH2 is on the minus strand). VCF-style: chr20-44115693-G-T. GRCh37 (hg19) VCF-style: chr20-42744333-G-T.
Other names: c.1982C>A (NM_020433.4); short protein forms A661E.
Identifiers: ClinVar variation 1014082 (VCV001014082.10), dbSNP rs1026714361, ClinGen allele CA314642346.